The following is an entry in ClinVar:

ClinVar aggregate classification (germline): Uncertain significance. Review status: criteria provided, multiple submitters, no conflicts (2 of 4 stars). 3 submissions from 3 submitters: Uncertain significance (2). 1 of the submissions does not count toward it. Last evaluated 2026-06-03.

Conditions:
Mucopolysaccharidosis, MPS-III-B (MPS3B). Also called: MPS IIIB (Sanfilippo Syndrome Type B); MUCOPOLYSACCHARIDOSIS, TYPE IIIB; Mucopolysaccharidosis type IIIB (Sanfilippo B); N-ACETYL-ALPHA-D-GLUCOSAMINIDASE DEFICIENCY; NAGLU DEFICIENCY; SANFILIPPO SYNDROME B. Identifiers: Orphanet 79270, MedGen C0086648, MONDO:0009656, OMIM 252920.
Charcot-Marie-Tooth disease axonal type 2V. Also called: CHARCOT-MARIE-TOOTH NEUROPATHY, TYPE 2V; CHARCOT-MARIE-TOOTH DISEASE, AXONAL, AUTOSOMAL DOMINANT, TYPE 2V. Identifiers: Orphanet 447964, MedGen C5569050, MONDO:0014665, OMIM 616491.

Allele frequency attached by ClinVar (database versions not stated): gnomAD exomes 0.00001; TOPMed 0.00001; ExAC 0.00001; gnomAD 0.00001; ESP Exome Variant Server 0.00008.

Submissions (3):

Women's Health and Genetics/Laboratory Corporation of America, LabCorp
Classification: Uncertain significance. Last evaluated: 2026-06-03. Review status: criteria provided, single submitter. Criteria: LabCorp Variant Classification Summary - May 2015. Collection method: clinical testing. Allele origin: germline.
Comment: Variant summary: NAGLU c.2083C>T (p.His695Tyr) results in a conservative amino acid change in the encoded protein sequence. Algorithms developed to predict the effect of missense changes on protein structure and function are either unavailable or do not agree on the potential impact of this missense change. The variant allele was found at a frequency of 1.2e-05 in 251194 control chromosomes. To our knowledge, no occurrence of c.2083C>T in individuals affected with NAGLU-related conditions has been reported. At least one publication reports experimental evidence evaluating an impact on protein function in an in vitro expression system and found the variant resulted in 45% of normal enzymatic activity (Clark_2018). The following publication has been ascertained in the context of this evaluation (PMID: 29979746). ClinVar contains an entry for this variant (Variation ID: 1047067). Based on the evidence outlined above, the variant was classified as VUS-possibly pathogenic.

Labcorp Genetics (formerly Invitae), Labcorp
Classification: Uncertain significance for Charcot-Marie-Tooth disease axonal type 2V; Mucopolysaccharidosis, MPS-III-B. Last evaluated: 2024-10-23. Review status: criteria provided, single submitter. Criteria: Invitae Variant Classification Sherloc (09022015). Collection method: clinical testing. Allele origin: germline.
Comment: This sequence change replaces histidine, which is basic and polar, with tyrosine, which is neutral and polar, at codon 695 of the NAGLU protein (p.His695Tyr). This variant is present in population databases (rs146582131, gnomAD 0.0009%). This variant has not been reported in the literature in individuals affected with NAGLU-related conditions. ClinVar contains an entry for this variant (Variation ID: 1047067). Invitae Evidence Modeling of protein sequence and biophysical properties (such as structural, functional, and spatial information, amino acid conservation, physicochemical variation, residue mobility, and thermodynamic stability) indicates that this missense variant is not expected to disrupt NAGLU protein function with a negative predictive value of 80%. In summary, the available evidence is currently insufficient to determine the role of this variant in disease. Therefore, it has been classified as a Variant of Uncertain Significance.

Natera, Inc.
Classification: Uncertain significance for Mucopolysaccharidosis type IIIB. Last evaluated: 2020-06-17. Review status: no assertion criteria provided. Collection method: clinical testing. Allele origin: germline. Not counted in ClinVar's aggregate classification.

Literature cited by the submitters: PubMed 29979746 (cited by Women's Health and Genetics/Laboratory Corporation of America, LabCorp).

NM_000263.4(NAGLU):c.2083C>T (p.His695Tyr)

Gene: NAGLU (N-acetyl-alpha-glucosaminidase; plus strand). Cytogenetic location: 17q21.2.
Variant type: single nucleotide variant.
Coding change: c.2083C>T on transcript NM_000263.4 (MANE Select); coding-DNA position 2083, C replaced by T.
Protein change: p.His695Tyr; replaces histidine 695 with tyrosine.
Molecular consequence: missense variant.
Genome position (GRCh38, 1-based): chr17:42,544,089, C>T. VCF-style: chr17-42544089-C-T. GRCh37 (hg19) VCF-style: chr17-40696107-C-T.
Other names: short protein forms H695Y.
Identifiers: ClinVar variation 1047067 (VCV001047067.7), dbSNP rs146582131, ClinGen allele CA8577137.